The following is an entry in ClinVar:

NM_001387025.1(GRAMD1B):c.1397A>G (p.Asn466Ser)

Gene: GRAMD1B (GRAM domain containing 1B; plus strand). Cytogenetic location: 11q24.1.
Variant type: single nucleotide variant.
Coding change: c.1397A>G on transcript NM_001387025.1 (MANE Select); coding-DNA position 1397, A replaced by G.
Protein change: p.Asn466Ser; replaces asparagine 466 with serine.
Molecular consequence: missense variant.
Genome position (GRCh38, 1-based): chr11:123,606,682, A>G. VCF-style: chr11-123606682-A-G. GRCh37 (hg19) VCF-style: chr11-123477390-A-G.
Other names: c.989A>G, p.Asn330Ser (NM_001286563.3); c.848A>G, p.Asn283Ser (NM_001286564.3, NM_001330396.3, NM_001387030.1 and 5 more transcripts); c.1049A>G, p.Asn350Ser (NM_001367418.2, NM_001367419.2, NM_001367420.2); c.1265A>G, p.Asn422Ser (NM_001367421.2); c.1397A>G, p.Asn466Ser (NM_001387024.1); c.1394A>G, p.Asn465Ser (NM_001387026.1); c.968A>G, p.Asn323Ser (NM_001387028.1, NM_001387029.1, NM_020716.4); c.968A>G (NM_020716.1); short protein forms N283S, N323S, N330S, N350S, N422S, N465S, N466S.
Identifiers: ClinVar variation 3042797 (VCV003042797.3), dbSNP rs114469707, ClinGen allele CA6333589.

ClinVar aggregate classification (germline): Uncertain significance. Review status: criteria provided, single submitter (1 of 4 stars). 2 submissions from 2 submitters: Uncertain significance (1). 1 of the submissions does not count toward it. Last evaluated 2025-08-05.

Conditions:
GRAMD1B-related disorder. Also called: GRAMD1B-related condition.

Allele frequency attached by ClinVar (database versions not stated): TOPMed 0.00178; 1000 Genomes Project 30x 0.00187; ExAC 0.00055; 1000 Genomes Project 0.00160; ESP Exome Variant Server 0.00171.
gnomAD v4.1: 450 of 1,613,520 alleles (0.028%); highest among the groups gnomAD compares: African/African-American, 0.54%; 1 homozygote.

Submissions (2):

Ambry Genetics
Classification: Uncertain significance. Last evaluated: 2025-08-05. Review status: criteria provided, single submitter. Criteria: Ambry Variant Classification Scheme 2023. Collection method: clinical testing. Allele origin: germline.

PreventionGenetics, part of Exact Sciences
Classification: Likely benign for GRAMD1B-related condition. Last evaluated: 2019-06-24. Review status: no assertion criteria provided. Collection method: clinical testing. Allele origin: germline. Not counted in ClinVar's aggregate classification.
Comment: This variant is classified as likely benign based on ACMG/AMP sequence variant interpretation guidelines (Richards et al. 2015 PMID: 25741868, with internal and published modifications).